The following is an entry in ClinVar:

ClinVar aggregate classification (germline): Uncertain significance. Review status: criteria provided, multiple submitters, no conflicts (2 of 4 stars). 2 submissions from 2 submitters: Uncertain significance (2). Last evaluated 2025-06-12.

Conditions:
Juvenile polyposis syndrome (JPS). Identifiers: Orphanet 2929, MedGen C0345893, MONDO:0017380, OMIM 174900.
Familial thoracic aortic aneurysm and aortic dissection (TAAD). Also called: Thoracic aortic aneurysms and dissections. Identifiers: Orphanet 91387, MedGen C4707243, MONDO:0019625.
Hereditary cancer-predisposing syndrome. Also called: Neoplastic Syndromes, Hereditary; Hereditary neoplastic syndrome; Tumor predisposition; Hereditary Cancer Syndrome. Identifiers: Orphanet 140162, MedGen C0027672, MeSH D009386, MONDO:0015356.

Submissions (2):

Ambry Genetics
Classification: Uncertain significance for Hereditary cancer-predisposing syndrome; Familial thoracic aortic aneurysm and aortic dissection. Last evaluated: 2025-06-12. Review status: criteria provided, single submitter. Criteria: Ambry Variant Classification Scheme 2023. Collection method: clinical testing. Allele origin: germline.
Comment: The p.N151K variant (also known as c.453T>A), located in coding exon 3 of the SMAD4 gene, results from a T to A substitution at nucleotide position 453. The asparagine at codon 151 is replaced by lysine, an amino acid with similar properties. This amino acid position is conserved. In addition, this alteration is predicted to be tolerated by in silico analysis. Based on the available evidence, the clinical significance of this variant remains unclear.

Labcorp Genetics (formerly Invitae), Labcorp
Classification: Uncertain significance for Juvenile polyposis syndrome. Last evaluated: 2022-01-11. Review status: criteria provided, single submitter. Criteria: Invitae Variant Classification Sherloc (09022015). Collection method: clinical testing. Allele origin: germline.
Comment: In summary, the available evidence is currently insufficient to determine the role of this variant in disease. Therefore, it has been classified as a Variant of Uncertain Significance. Algorithms developed to predict the effect of missense changes on protein structure and function (SIFT, PolyPhen-2, Align-GVGD) all suggest that this variant is likely to be tolerated. This variant has not been reported in the literature in individuals affected with SMAD4-related conditions. This variant is not present in population databases (gnomAD no frequency). This sequence change replaces asparagine, which is neutral and polar, with lysine, which is basic and polar, at codon 151 of the SMAD4 protein (p.Asn151Lys).

NM_005359.6(SMAD4):c.453T>A (p.Asn151Lys)

Gene: SMAD4 (SMAD family member 4; plus strand). Cytogenetic location: 18q21.2.
Variant type: single nucleotide variant.
Coding change: c.453T>A on transcript NM_005359.6 (MANE Select); coding-DNA position 453, T replaced by A.
Protein change: p.Asn151Lys; replaces asparagine 151 with lysine.
Molecular consequence: missense variant.
Genome position (GRCh38, 1-based): chr18:51,049,323, T>A. VCF-style: chr18-51049323-T-A. GRCh37 (hg19) VCF-style: chr18-48575693-T-A.
Other names: c.453T>A, p.Asn151Lys (NM_001407041.1, NM_001407042.1, NM_001407043.1); short protein forms N151K.
Identifiers: ClinVar variation 1947352 (VCV001947352.6), dbSNP rs2511370399, ClinGen allele CA402459625.